The following is an entry in ClinVar:

NM_000256.3(MYBPC3):c.2149-73C>G

Gene: MYBPC3 (myosin binding protein C3; minus strand). Cytogenetic location: 11p11.2.
Variant type: single nucleotide variant.
Coding change: c.2149-73C>G on transcript NM_000256.3 (MANE Select); 73 bases into the intron before coding-DNA position 2149, C replaced by G.
Molecular consequence: intron variant.
Genome position (GRCh38, 1-based): chr11:47,338,752, G>C on the plus strand (C>G on the coding strand, the complement: MYBPC3 is on the minus strand). VCF-style: chr11-47338752-G-C. GRCh37 (hg19) VCF-style: chr11-47360303-G-C.
Identifiers: ClinVar variation 3031771 (VCV003031771.2), dbSNP rs1440514445, ClinGen allele CA676996640.
Genomic context (GRCh38, chr11:47,338,752, plus strand): 5'-AGAGTTGGGGTGAGATCCAAGTCAGACCCCAGAGGCCCTTGCAGCCTCCGCCAACAGCCA[G>C]ATGTCCCGGGGGTCCATGGGGGGAACACAGCCTGTGGGAAGACTGCATCCACGTCAGCAT-3'

ClinVar aggregate classification (germline): Likely benign (0 of 4 stars; one submission).

Conditions:
MYBPC3-related disorder. Also called: MYBPC3-related condition; MYBPC3-related disease; MYBPC3-related disorders.

gnomAD v4.1: 7 of 1,484,624 alleles (0.00047%); highest among the groups gnomAD compares: Non-Finnish European, 0.00045%; no homozygotes.

Submission:

PreventionGenetics, part of Exact Sciences
Classification: Likely benign for MYBPC3-related condition. Last evaluated: 2020-08-17. Review status: no assertion criteria provided. Collection method: clinical testing. Allele origin: germline.
Comment: This variant is classified as likely benign based on ACMG/AMP sequence variant interpretation guidelines (Richards et al. 2015 PMID: 25741868, with internal and published modifications).